The following is an entry in ClinVar:

ClinVar aggregate classification (germline): Uncertain significance. Review status: criteria provided, multiple submitters, no conflicts (2 of 4 stars). 3 submissions from 3 submitters: Uncertain significance (3). Last evaluated 2024-06-26.

Conditions:
Inborn genetic diseases. Identifiers: MedGen C0950123, MeSH D030342.

Allele frequency attached by ClinVar (database versions not stated): 1000 Genomes Project 30x 0.00031.
gnomAD v4.1: 31 of 1,571,758 alleles (0.002%); highest among the groups gnomAD compares: Admixed American, 0.048%; 1 homozygote.

Submissions (3):

Ambry Genetics
Classification: Uncertain significance for Inborn genetic diseases. Last evaluated: 2024-06-26. Review status: criteria provided, single submitter. Criteria: Ambry Variant Classification Scheme 2023. Collection method: clinical testing. Allele origin: germline.

GeneDx
Classification: Uncertain significance. Last evaluated: 2022-04-19. Review status: criteria provided, single submitter. Criteria: GeneDx Variant Classification Process June 2021. Collection method: clinical testing. Allele origin: germline. Affected: yes.
Comment: In silico analysis supports that this missense variant does not alter protein structure/function; Has not been previously published as pathogenic or benign to our knowledge

Labcorp Genetics (formerly Invitae), Labcorp
Classification: Uncertain significance. Last evaluated: 2021-08-26. Review status: criteria provided, single submitter. Criteria: Invitae Variant Classification Sherloc (09022015). Collection method: clinical testing. Allele origin: germline.
Comment: This sequence change replaces leucine with isoleucine at codon 11 of the MSRB3 protein (p.Leu11Ile). The leucine residue is weakly conserved and there is a small physicochemical difference between leucine and isoleucine. The frequency data for this variant in the population databases is considered unreliable, as metrics indicate poor data quality at this position in the ExAC database. This variant has not been reported in the literature in individuals affected with MSRB3-related conditions. Algorithms developed to predict the effect of missense changes on protein structure and function output the following: SIFT: "Tolerated"; PolyPhen-2: "Benign"; Align-GVGD: "Class C0". The isoleucine amino acid residue is found in multiple mammalian species, which suggests that this missense change does not adversely affect protein function. In summary, the available evidence is currently insufficient to determine the role of this variant in disease. Therefore, it has been classified as a Variant of Uncertain Significance.

NM_001031679.3(MSRB3):c.-118C>A

Gene: MSRB3 (methionine sulfoxide reductase B3; plus strand). Cytogenetic location: 12q14.3.
Variant type: single nucleotide variant.
Coding change: c.-118C>A on transcript NM_001031679.3 (MANE Select); 118 bases upstream of the start codon, C replaced by A.
Molecular consequence: 5 prime UTR variant. On other transcripts: missense variant (1).
Genome position (GRCh38, 1-based): chr12:65,278,799, C>A. VCF-style: chr12-65278799-C-A. GRCh37 (hg19) VCF-style: chr12-65672579-C-A.
Other names: c.-282C>A (NM_001193460.2); c.31C>A, p.Leu11Ile (NM_198080.4); short protein forms L11I.
Identifiers: ClinVar variation 1712073 (VCV001712073.6), dbSNP rs200778091, ClinGen allele CA6671330.